The following is an entry in ClinVar:

ClinVar aggregate classification (germline): Pathogenic. Review status: criteria provided, multiple submitters, no conflicts (2 of 4 stars). 5 submissions from 5 submitters: Pathogenic (3). 2 of the submissions do not count toward it. Last evaluated 2026-02-01.

Conditions:
Growth hormone insensitivity syndrome. Identifiers: Orphanet 181393, MedGen C4318479, MONDO:0015892.
Laron-type isolated somatotropin defect. Also called: Growth hormone binding protein deficiency or dysfunction; Growth hormone receptor deficiency or dysfunction; Laron dwarfism; Laron type pituitary dwarfism I; GROWTH HORMONE RECEPTOR DEFICIENCY; Laron Syndrome. Identifiers: Orphanet 633, MedGen C0271568, MONDO:0009877, OMIM 262500.

Allele frequency attached by ClinVar (database versions not stated): gnomAD 0.00001; gnomAD exomes 0.00001 and 0.00002; ExAC 0.00001; TOPMed 0.00001.
gnomAD v4.1: 12 of 1,613,368 alleles (0.00074%); highest among the groups gnomAD compares: Non-Finnish European, 0.001%; no homozygotes.

Submissions (5):

GeneDx
Classification: Pathogenic. Last evaluated: 2026-02-01. Review status: criteria provided, single submitter. Criteria: GeneDx Variant Classification Process June 2021. Collection method: clinical testing. Allele origin: germline.
Comment: Observed in homozygous state in patients with clinical features of a GHR-related disorder referred for genetic testing at GeneDx and in the literature, and not observed in homozygous state in controls (PMID: 1999489); Observed with a second GHR variant, phase unknown, in a patient with features of Laron syndrome in published literature (PMID: 28870985); Nonsense variant predicted to result in protein truncation or nonsense mediated decay in a gene for which loss of function is a known mechanism of disease; This variant is associated with the following publications: (PMID: 25525159, 9360502, 8488849, 1999489, 28870985)

Labcorp Genetics (formerly Invitae), Labcorp
Classification: Pathogenic. Last evaluated: 2023-12-20. Review status: criteria provided, single submitter. Criteria: Invitae Variant Classification Sherloc (09022015). Collection method: clinical testing. Allele origin: germline.
Comment: This sequence change creates a premature translational stop signal (p.Cys56*) in the GHR gene. It is expected to result in an absent or disrupted protein product. Loss-of-function variants in GHR are known to be pathogenic (PMID: 1999489, 8488849). This variant is present in population databases (rs121909359, gnomAD 0.003%). This premature translational stop signal has been observed in individual(s) with Laron dwarfism (PMID: 1999489). This variant is also known as C38X. ClinVar contains an entry for this variant (Variation ID: 8634). For these reasons, this variant has been classified as Pathogenic.

Women's Health and Genetics/Laboratory Corporation of America, LabCorp
Classification: Pathogenic for Growth hormone insensitivity syndrome. Last evaluated: 2023-06-14. Review status: criteria provided, single submitter. Criteria: LabCorp Variant Classification Summary - May 2015. Collection method: clinical testing. Allele origin: germline.
Comment: Variant summary: GHR c.168C>A (p.Cys56X) results in a premature termination codon, predicted to cause a truncation of the encoded protein or absence of the protein due to nonsense mediated decay, which are commonly known mechanisms for disease. The variant allele was found at a frequency of 1.6e-05 in 251374 control chromosomes. c.168C>A has been reported in the literature in homozygous and compound heterozygous individuals affected with Growth Hormone Insensitivity (examples: Woods_1997, Shapiro_2017). These data indicate that the variant is likely to be associated with disease. To our knowledge, no experimental evidence demonstrating an impact on protein function has been reported. The following publications have been ascertained in the context of this evaluation (PMID: 28870985, 9360502). No clinical diagnostic laboratories have submitted clinical-significance assessments for this variant to ClinVar after 2014. Based on the evidence outlined above, the variant was classified as pathogenic.

Clinical Molecular Genetics Laboratory, Johns Hopkins All Children's Hospital
Classification: Pathogenic for Laron-type isolated somatotropin defect. Last evaluated: 2012-12-10. Review status: no assertion criteria provided. Collection method: clinical testing. Allele origin: germline. Affected: yes. Not counted in ClinVar's aggregate classification.

OMIM
Classification: Pathogenic for LARON SYNDROME. Last evaluated: 1991-03-01. Review status: no assertion criteria provided. Collection method: literature only. Allele origin: germline. Not counted in ClinVar's aggregate classification.

Literature cited by the submitters: PubMed 1999489 (cited by Labcorp Genetics (formerly Invitae), Labcorp and OMIM); PubMed 8488849 (cited by Labcorp Genetics (formerly Invitae), Labcorp); PubMed 9360502 (cited by Women's Health and Genetics/Laboratory Corporation of America, LabCorp); PubMed 28870985 (cited by Women's Health and Genetics/Laboratory Corporation of America, LabCorp); Amselem, S., Sobrier, M. L., Duquesnoy, P., Dallapiccola, B., Gourmelen, M., Rappaport, R., Goossens, M. Recurrent nonsense mutations in the human growth hormone-receptor gene. (Abstract) Am. J. Hum. Genet. 47 (suppl.): A107, 1990. (cited by OMIM).

NM_000163.5(GHR):c.168C>A (p.Cys56Ter)

Gene: GHR (growth hormone receptor; plus strand). Cytogenetic location: 5p12.
Variant type: single nucleotide variant.
Coding change: c.168C>A on transcript NM_000163.5 (MANE Select); coding-DNA position 168, C replaced by A.
Protein change: p.Cys56Ter; replaces cysteine 56 with a stop codon.
Molecular consequence: nonsense.
Genome position (GRCh38, 1-based): chr5:42,688,921, C>A. VCF-style: chr5-42688921-C-A. GRCh37 (hg19) VCF-style: chr5-42689023-C-A.
Other names: C38*; c.189C>A, p.Cys63Ter (NM_001242399.2); c.168C>A, p.Cys56Ter (NM_001242400.2, NM_001242401.4, NM_001242402.2 and 5 more transcripts); c.102C>A, p.Cys34Ter (NM_001242460.2); short protein forms C56*, C34*, C63*.
Identifiers: ClinVar variation 8634 (VCV000008634.7), dbSNP rs121909359, ClinGen allele CA119793.
Genomic context (GRCh38, chr5:42,688,921, plus strand): 5'-ATGCCTTGCCTTTTCTTTTTATTCTGCAGATTCTTCTAAGGAGCCTAAATTCACCAAGTG[C>A]CGTTCACCTGAGCGAGAGACTTTTTCATGCCACTGGACAGATGAGGTTCATCATGGTACA-3'